The following continues an entry in ClinVar:

NM_033100.4(CDHR1):c.783G>A (p.Pro261=)

Gene: CDHR1. ClinVar aggregate classification (germline): Conflicting classifications of pathogenicity. Pathogenic (3); Likely pathogenic (14); Uncertain significance (8).

Submissions 13 to 28 of 40:

Institute of Human Genetics, Univ. Regensburg, Univ. Regensburg
Classification: Likely pathogenic for Optic atrophy. Last evaluated: 2023-01-01. Review status: criteria provided, single submitter. Criteria: ACMG Guidelines, 2015. Collection method: clinical testing. Allele origin: germline. Affected: yes.

Institute of Human Genetics, Univ. Regensburg, Univ. Regensburg
Classification: Likely pathogenic for Retinal dystrophy. Last evaluated: 2023-01-01. Review status: criteria provided, single submitter. Criteria: ACMG Guidelines, 2015. Collection method: clinical testing. Allele origin: germline. Affected: yes.

Broad Center for Mendelian Genomics, Broad Institute of MIT and Harvard
Classification: Uncertain significance for Cone-rod dystrophy 15. Last evaluated: 2022-05-04. Review status: criteria provided, single submitter. Criteria: ACMG Guidelines, 2015. Collection method: curation. Allele origin: germline. Inheritance: Autosomal recessive inheritance.
Comment: The variant has been reported in at least 7 individuals of European and unknown ethnicity with cone-rod dystrophy 15 (PMID: 23591405, 28885867, 28765526), and has been identified in 0.5891 (148/25122) of European Finnish chromosomes and 4 homozygotes by the Genome Aggregation Database (gnomAD; dbSNP ID: rs147346345). This variant has also been reported in ClinVar (Variation ID: 301224) as having uncertain significance by many submitters, as likely pathogenic by Medical Genetics Laboratory, Kennedy Center, Juliane Marie Center, Rigshospitalet, as pathogenic by CeGaT Praxis fuer Humangenetik Tuebingen, and as benign by Invitae. In vitro functional studies provide some evidence that the p.Pro261= variant may slightly impact protein function (PMID: 28765526). However, these types of assays may not accurately represent biological function. This variant is located in the last three bases of the exon, which is part of the 3’ splice region. Computational tools suggest an impact to splicing. However, this information is not predictive enough to determine pathogenicity. The presence of this variant in 3 affected homozygotes, in combination with reported pathogenic and likely pathogenic variants, and in at least 7 individuals with cone-rod dystrophy 15 increases the likelihood that the p.Pro261= variant is pathogenic (Variation ID: 18416; PMID: 28885867). In summary, the clinical significance of the p.Pro261= variant is uncertain. ACMG/AMP Criteria applied: BS1, PM3_strong, PP3, PS3_supporting (Richards 2015).

Institute of Human Genetics, University of Leipzig Medical Center
Classification: Likely pathogenic for Cone-rod dystrophy 15. Last evaluated: 2021-12-08. Review status: criteria provided, single submitter. Criteria: ACMG Guidelines, 2015. Collection method: clinical testing. Allele origin: unknown. Affected: yes.
Comment: This variant was identified as homozygous._x000D_ Criteria applied: PS3, PS4_MOD, PM3_SUP

Molecular Genetics, Royal Melbourne Hospital
Classification: Pathogenic for Cone-rod dystrophy 15. Last evaluated: 2021-11-11. Review status: criteria provided, single submitter. Criteria: ACMG Guidelines, 2015. Collection method: clinical testing. Allele origin: germline. Affected: yes.
Comment: This sequence change is a synonymous (silent) variant in exon 8 of CDHR1 that is predicted to impact splicing (SpliceAI, MaxEntScan). This prediction is confirmed by RT-PCR, RNASeq, and mini-gene assays. The assay demonstrated that the variant impacts splicing by in-frame exon 8 skipping (PMID: 28765526, 31387115). The highest population minor allele frequency in gnomAD v2.1 is 0.5% (633/129,112 alleles, 1 homozygote) in the European (non-Finnish) population. This variant has been reported as a hypomorphic allele with a milder macula-predominant retinal phenotype. It has been detected in at least 18 individuals with an inherited retinal disorder. Of those individuals, nine individuals were homozygous and seven were compound heterozygous for the variant and a pathogenic or likely pathogenic variant (PMID: 28765526, 28885867, 29555955, 31387115, 32681094, 33546218). The variant has been reported to segregate with retinal disorders in three families (PMID: 28885867, 31387115, 32681094). Based on the classification scheme RMH Modified ACMG Guidelines v1.4.0, this variant is classified as PATHOGENIC. Following criteria are met: PM3_Strong, PP1_Strong, PS3_Supporting, PP3, BS1.

Broad Center for Mendelian Genomics, Broad Institute of MIT and Harvard
Classification: Likely pathogenic for Retinitis pigmentosa. Last evaluated: 2021-04-01. Review status: criteria provided, single submitter. Criteria: ACMG Guidelines, 2015. Collection method: curation. Allele origin: germline. Inheritance: Autosomal recessive inheritance. Affected: yes.
Comment: Through a review of available evidence we were able to apply the following criteria: PS3, PM3, PP1, PP3. Based on this evidence we have classified this variant as Likely Pathogenic. If you have any questions about the classification please reach out to the Pierce Lab.

Institute of Medical Molecular Genetics, University of Zurich
Classification: Likely pathogenic for Cone-rod dystrophy 15. Last evaluated: 2021-01-30. Review status: criteria provided, single submitter. Criteria: ACMG Guidelines, 2015. Collection method: clinical testing. Allele origin: unknown. Affected: yes.

Institute of Medical Genetics and Applied Genomics, University Hospital Tübingen
Classification: Likely pathogenic. Last evaluated: 2020-10-23. Review status: criteria provided, single submitter. Criteria: ACMG Guidelines, 2015. Collection method: clinical testing. Allele origin: germline. Inheritance: Autosomal recessive inheritance. Affected: yes.

ARUP Laboratories, Molecular Genetics and Genomics, ARUP Laboratories
Classification: Uncertain significance. Last evaluated: 2019-12-27. Review status: criteria provided, single submitter. Criteria: ARUP Molecular Germline Variant Investigation Process. Collection method: clinical testing. Allele origin: germline.
Comment: The CDHR1 c.783G>A; p.Pro261Pro variant is reported in the literature in multiple individuals with retinitis pigmentosa or a related retinopathy (Bessette 2018, Birtel 2018, Glockle 2014, Haer-Wigman 2017, Stingl 2017). Multiple affected individuals with this variant were either homozygous or carried a second CDHR1 variant (Bessette 2018, Birtel 2018, Glockle 2014, Stingl 2017). However, the c.783G>A variant is also found in the general population with an overall allele frequency of 0.31% (863/282802 alleles, including four homozygotes) in the Genome Aggregation Database. This is a synonymous variant in the last nucleotide of exon 8, and computational analyses (Alamut v.2.11) predict that this variant may impact splicing by weakening the nearby canonical donor splice site. Indeed, a minigene splicing assay in cultured cells indicates this variant leads to exon 8 skipping, which causes an in-frame deletion of 48 amino acids, although it is unclear if the extent of exon skipping in retinal tissues is clinically significant (Stingl 2017). Due to conflicting and limited information, the clinical significance of the c.783G>A variant is uncertain at this time. References: Bessette AP et al. Clinical characteristics of recessive retinal degeneration due to mutations in the CDHR1 gene and a review of the literature. Ophthalmic Genet. 2018 Jan-Feb;39(1):51-55. Birtel J et al. Clinical and genetic characteristics of 251 consecutive patients with macular and cone/cone-rod dystrophy. Sci Rep. 2018 Mar 19;8(1):4824. Glockle N et al. Panel-based next generation sequencing as a reliable and efficient technique to detect mutations in unselected patients with retinal dystrophies. Eur J Hum Genet. 2014 Jan;22(1):99-104. Haer-Wigman L et al. Diagnostic exome sequencing in 266 Dutch patients with visual impairment. Eur J Hum Genet. 2017 May;25(5):591-599. Stingl K et al. CDHR1 mutations in retinal dystrophies. Sci Rep. 2017 Aug 1;7(1):6992.

Centre for Mendelian Genomics, University Medical Centre Ljubljana
Classification: Likely pathogenic for Cone-rod dystrophy 15. Last evaluated: 2019-12-04. Review status: criteria provided, single submitter. Criteria: ACMG Guidelines, 2015. Collection method: clinical testing. Allele origin: unknown. Affected: yes.
Comment: This variant was classified as: Likely pathogenic. The following ACMG criteria were applied in classifying this variant: PS3,PM3,PP3,BS1. This variant was detected in homozygous state.

Mendelics
Classification: Uncertain significance for Cone-rod dystrophy 15. Last evaluated: 2019-05-28. Review status: criteria provided, single submitter. Criteria: Mendelics Assertion Criteria 2017. Collection method: clinical testing. Allele origin: unknown.

Laboratory for Molecular Medicine, Mass General Brigham Personalized Medicine
Classification: Uncertain significance. Last evaluated: 2018-12-19. Review status: criteria provided, single submitter. Criteria: LMM Criteria. Collection method: clinical testing. Allele origin: germline. Observed: 1 variant allele.
Comment: The c.783G>A (p.Pro261Pro) variant in CDHR1 has been reported in 3 homozygous an d 3 compound heterozygous individuals with retinitis pigmetosa, as well as a het erozygous variant in one individual with an altenative cause of disease (Glockle 2013, Tiwari 2016, Haer-Wigman 2017, Stingl 2017, Bessette 2018). This variant has been identified in 0.6% (148/25122) of Finnish chromosomes, including 3 homo zygotes, by gnomAD.This variant is located in the last base of the exon, which is part of the 5? splice region. Computational tools suggest an impact to splicing; however, this information is not predictiv e enough to determine pathogenicity. Funcitonal studies suggest this variant lea ds to skipping of exon 8; however, these assays may not accurately represent bio logical function. In summary, due to conflicting data, the clinical significance of the p.Pro261Pro variant is uncertain. ACMG/AMP criteria applied: PM3, PS4_Mo derate, PS3_Supporting, BS1_Supporting, BP5.

Eurofins Ntd Llc (ga)
Classification: Uncertain significance. Last evaluated: 2016-10-27. Review status: criteria provided, single submitter. Criteria: EGL Classification Definitions 2015. Collection method: clinical testing. Allele origin: germline. Observed: 1 variant allele, 1 heterozygote.

Department of Clinical Genetics, Copenhagen University Hospital, Rigshospitalet
Classification: Likely pathogenic for Retinal dystrophy. Last evaluated: 2018-04-01. Review status: no assertion criteria provided. Collection method: research. Allele origin: unknown. Affected: yes. Study: VeluxRD. Not counted in ClinVar's aggregate classification.

OMIM
Classification: Pathogenic for MACULAR DYSTROPHY, RETINAL, 5. Last evaluated: 2014-01-01. Review status: no assertion criteria provided. Collection method: literature only. Allele origin: germline. Not counted in ClinVar's aggregate classification.

OMIM
Classification: Pathogenic for RETINITIS PIGMENTOSA 65. Last evaluated: 2014-01-01. Review status: no assertion criteria provided. Collection method: literature only. Allele origin: germline. Not counted in ClinVar's aggregate classification.